The following is an entry in ClinVar:

NM_152296.5(ATP1A3):c.2330T>A (p.Ile777Asn)

Gene: ATP1A3 (ATPase Na+/K+ transporting subunit alpha 3; minus strand). Cytogenetic location: 19q13.2.
Variant type: single nucleotide variant.
Coding change: c.2330T>A on transcript NM_152296.5 (MANE Select); coding-DNA position 2330, T replaced by A.
Protein change: p.Ile777Asn; replaces isoleucine 777 with asparagine.
Molecular consequence: missense variant.
Genome position (GRCh38, 1-based): chr19:41,970,476, A>T on the plus strand (T>A on the coding strand, the complement: ATP1A3 is on the minus strand). VCF-style: chr19-41970476-A-T. GRCh37 (hg19) VCF-style: chr19-42474628-A-T.
Other names: c.2363T>A, p.Ile788Asn (NM_001256213.2); c.2369T>A, p.Ile790Asn (NM_001256214.2); short protein forms I777N, I790N, I788N.
Identifiers: ClinVar variation 667000 (VCV000667000.5), dbSNP rs1599706522, ClinGen allele CA406039560.

ClinVar aggregate classification (germline): Pathogenic/Likely pathogenic. Review status: criteria provided, multiple submitters, no conflicts (2 of 4 stars). 2 submissions from 2 submitters: Pathogenic (1); Likely pathogenic (1). Last evaluated 2020-11-12.

Conditions:
ATP1A3-associated neurological disorder. Also called: ATP1A3-related neurologic disorders. Identifiers: MedGen CN305087, MONDO:0700002.
Alternating hemiplegia of childhood. Also called: Alternating hemiplegia syndrome. Identifiers: Orphanet 2131, MedGen C0338488, MONDO:0016241.

Submissions (2):

Illumina Laboratory Services, Illumina
Classification: Pathogenic for ATP1A3-associated neurological disorder. Last evaluated: 2020-11-12. Review status: criteria provided, single submitter. Criteria: ICSLVariantClassificationCriteria RUGD 01 April 2020. Collection method: clinical testing. Allele origin: unknown.
Comment: The ATP1A3 c.2330T>A p.(Ile777Asn) missense variant has not, to our knowledge, been reported in the peer-reviewed literature. This variant is not observed in version 2.1.1 or version 4.0.0 of the Genome Aggregation Database. The Ile777 residue is located in the fifth transmembrane domain, in which several disease-causing missense variants have been reported (Capuono et al. 2020). The ATP1A3 gene has a low reported rate of benign missense variation (Landrum et al. 2018). Multiple lines of computational evidence suggest the variant may impact the gene or gene product. Based on the evidence, the c.2330T>A p.(Ile777Asn) variant is classified as pathogenic for ATP1A3-related neurological disorder.

Laboratory for Molecular Medicine, Mass General Brigham Personalized Medicine
Classification: Likely pathogenic for Alternating hemiplegia of childhood. Last evaluated: 2018-10-12. Review status: criteria provided, single submitter. Criteria: LMM Criteria. Collection method: clinical testing. Allele origin: germline. Inheritance: Autosomal dominant inheritance. Observed: 1 variant allele.
Comment: The c.2369T>A (p.Ile790Asn) variant in ATP1A3 has not been previously reported i n affected individuals or in large population studies. The ATP1A3 gene has been associated with an expanding clinical continuum of complex neurodevelop mental disorders that include rapid-onset dystonia-parkinsonism, alternating hem iplegia of childhood, and cerebellar ataxia, areflexia, pes cavus, optic atrophy and sensorineural hearing loss. Computational prediction tools and conservation analysis suggest that the p.Ile790Asn variant may impact the protein, though th is information is not predictive enough to determine pathogenicity on its own. T he variant occurs in a region of the protein that is constrained for population variation but has been frequently mutated in diseased individuals. In summary, t his variant meets criteria to be classified as likely pathogenic for ATP1A3-rela ted neurologic disorders with autosomal dominant inheritance based upon de novo occurrence, absence from the general population, protein domain location and com putational predictions. ACMG/AMP Criteria applied: PS2_Moderate, PM2, PM1_Suppor ting, PP3